The following is an entry in ClinVar:

ClinVar aggregate classification (germline): Conflicting classifications of pathogenicity. Review status: criteria provided, conflicting classifications (1 of 4 stars). 14 submissions from 10 submitters: Uncertain significance (1); Benign (6); Likely benign (4). 3 of the submissions do not count toward it. Last evaluated 2026-02-01.

Conditions:
SCN4A-related disorder. Also called: SCN4A-related disorders.
Congenital myasthenic syndrome 16. Identifiers: Orphanet 590, MedGen C3280112, MONDO:0013620, OMIM 614198.
Paramyotonia congenita of Von Eulenburg. Also called: Paramyotonia Congenita; PARALYSIS PERIODICA PARAMYOTONICA; Eulenburg disease; Myotonia congenita intermittens; Von Eulenburg paramyotonia congenita. Identifiers: Orphanet 684, MedGen C0221055, MONDO:0008195, OMIM 168300. Disease mechanism: loss of function.
Hypokalemic periodic paralysis, type 2 (HOKPP2). Identifiers: Orphanet 681, MedGen C2750061, MONDO:0013234, OMIM 613345.
Potassium-aggravated myotonia. Also called: Myotonia congenita, atypical, acetazolamide-responsive; MYOTONIA CONGENITA, ACETAZOLAMIDE-RESPONSIVE; MYOTONIA CONGENITA, ATYPICAL; SODIUM CHANNEL MUSCLE DISEASE. Identifiers: Orphanet 612, Orphanet 99734, Orphanet 99735, Orphanet 99736, MedGen C2931826, MONDO:0018959, OMIM 608390.
Hyperkalemic periodic paralysis. Also called: Familial hyperkalemic periodic paralysis; Gamstorp disease. Identifiers: Orphanet 682, MedGen C0238357, MONDO:0008224, OMIM 170500, HP:0007215.

Allele frequency attached by ClinVar (database versions not stated): 1000 Genomes Project 30x 0.00062; ESP Exome Variant Server 0.00140; 1000 Genomes Project 0.00060; gnomAD 0.00134; TOPMed 0.00147.
gnomAD v4.1: 3,674 of 1,600,916 alleles (0.23%); highest among the groups gnomAD compares: Non-Finnish European, 0.3%; 8 homozygotes.

Submissions (14):

Labcorp Genetics (formerly Invitae), Labcorp
Classification: Likely benign for Hyperkalemic periodic paralysis. Last evaluated: 2026-02-01. Review status: criteria provided, single submitter. Criteria: Invitae Variant Classification Sherloc (09022015). Collection method: clinical testing. Allele origin: germline.

Women's Health and Genetics/Laboratory Corporation of America, LabCorp
Classification: Likely benign. Last evaluated: 2024-12-16. Review status: criteria provided, single submitter. Criteria: LabCorp Variant Classification Summary - May 2015. Collection method: clinical testing. Allele origin: germline.
Comment: Variant summary: SCN4A c.2623C>T (p.Pro875Ser) results in a non-conservative amino acid change located in the sodium ion transport-associated domain (IPR010526) of the encoded protein sequence. Four of five in-silico tools predict a benign effect of the variant on protein function. The variant allele was found at a frequency of 0.0024 in 1448708 control chromosomes, predominantly at a frequency of 0.003 within the Non-Finnish European subpopulation in the gnomAD database, including 8 homozygotes. The observed variant frequency within Non-Finnish European control individuals in the gnomAD database is approximately 2.7 fold of the estimated maximal expected allele frequency for a pathogenic variant in SCN4A causing Congenital Myopathy 22A, Classic phenotype (0.0011). c.2623C>T has been reported in the literature in individuals within a family with atrioventricular nodal re-entry tachycardia (e.g, Andreasen_2018). These report(s) do not provide unequivocal conclusions about association of the variant with Congenital Myopathy 22A, Classic. To our knowledge, no experimental evidence demonstrating an impact on protein function has been reported. The following publication has been ascertained in the context of this evaluation (PMID: 29396561). ClinVar contains an entry for this variant (Variation ID: 324531). Based on the evidence outlined above, the variant was classified as likely benign.

CeGaT Center for Human Genetics Tuebingen
Classification: Likely benign. Last evaluated: 2024-07-01. Review status: criteria provided, single submitter. Criteria: CeGaT Center For Human Genetics Tuebingen Variant Classification Criteria Version 2. Collection method: clinical testing. Allele origin: germline. Affected: yes. Observed: 5 variant alleles.
Comment: SCN4A: BP4, BS2

Mayo Clinic Laboratories, Mayo Clinic
Classification: Benign. Last evaluated: 2024-03-22. Review status: criteria provided, single submitter. Criteria: ACMG Guidelines, 2015. Collection method: clinical testing. Allele origin: germline. Observed: 5 variant alleles.
Comment: BS1, BS2, BP4

Athena Diagnostics
Classification: Benign. Last evaluated: 2021-06-11. Review status: criteria provided, single submitter. Criteria: Athena Diagnostics Criteria. Collection method: clinical testing. Allele origin: unknown.

Illumina Laboratory Services, Illumina
Classification: Uncertain significance for Congenital myasthenic syndrome 16. Last evaluated: 2018-01-13. Review status: criteria provided, single submitter. Criteria: ICSL Variant Classification Criteria 13 December 2019. Collection method: clinical testing. Allele origin: germline.

Illumina Laboratory Services, Illumina
Classification: Benign for Paramyotonia congenita of Von Eulenburg. Last evaluated: 2018-01-13. Review status: criteria provided, single submitter. Criteria: ICSL Variant Classification Criteria 13 December 2019. Collection method: clinical testing. Allele origin: germline.
Comment: This variant was observed in the ICSL laboratory as part of a predisposition screen in an ostensibly healthy population. It had not been previously curated by ICSL or reported in the Human Gene Mutation Database (HGMD: prior to June 1st, 2018), and was therefore a candidate for classification through an automated scoring system. Utilizing variant allele frequency, disease prevalence and penetrance estimates, and inheritance mode, an automated score was calculated to assess if this variant is too frequent to cause the disease. Based on the score and internal cut-off values, a variant classified as benign is not then subjected to further curation. The score for this variant resulted in a classification of benign for this disease.

Illumina Laboratory Services, Illumina
Classification: Benign for Hyperkalemic periodic paralysis. Last evaluated: 2018-01-13. Review status: criteria provided, single submitter. Criteria: ICSL Variant Classification Criteria 13 December 2019. Collection method: clinical testing. Allele origin: germline.
Comment: the same text as in the submission from Illumina Laboratory Services, Illumina above.

Illumina Laboratory Services, Illumina
Classification: Benign for Potassium-aggravated myotonia. Last evaluated: 2018-01-13. Review status: criteria provided, single submitter. Criteria: ICSL Variant Classification Criteria 13 December 2019. Collection method: clinical testing. Allele origin: germline.
Comment: the same text as in the submission from Illumina Laboratory Services, Illumina above.

Illumina Laboratory Services, Illumina
Classification: Benign for Hypokalemic periodic paralysis, type 2. Last evaluated: 2018-01-13. Review status: criteria provided, single submitter. Criteria: ICSL Variant Classification Criteria 13 December 2019. Collection method: clinical testing. Allele origin: germline.
Comment: the same text as in the submission from Illumina Laboratory Services, Illumina above.

GeneDx
Classification: Likely benign. Last evaluated: 2017-11-30. Review status: criteria provided, single submitter. Criteria: GeneDx Variant Classification (06012015). Collection method: clinical testing. Allele origin: germline. Affected: yes.
Comment: This variant is considered likely benign or benign based on one or more of the following criteria: it is a conservative change, it occurs at a poorly conserved position in the protein, it is predicted to be benign by multiple in silico algorithms, and/or has population frequency not consistent with disease.

PreventionGenetics, part of Exact Sciences
Classification: Likely benign for SCN4A-related condition. Last evaluated: 2023-02-15. Review status: no assertion criteria provided. Collection method: clinical testing. Allele origin: germline. Not counted in ClinVar's aggregate classification.
Comment: This variant is classified as likely benign based on ACMG/AMP sequence variant interpretation guidelines (Richards et al. 2015 PMID: 25741868, with internal and published modifications).

Genome Diagnostics Laboratory, University Medical Center Utrecht
Classification: Likely benign. Review status: no assertion criteria provided. Collection method: clinical testing. Allele origin: germline. Affected: yes. Study: VKGL Data-share Consensus. Not counted in ClinVar's aggregate classification.

Laboratory of Diagnostic Genome Analysis, Leiden University Medical Center (LUMC)
Classification: Likely benign. Review status: no assertion criteria provided. Collection method: clinical testing. Allele origin: germline. Affected: yes. Study: VKGL Data-share Consensus. Not counted in ClinVar's aggregate classification.

Literature cited by the submitters: PubMed 29396561 (cited by Women's Health and Genetics/Laboratory Corporation of America, LabCorp).

NM_000334.4(SCN4A):c.2623C>T (p.Pro875Ser)

Genes: GH-LCR (growth hormone locus control region; plus strand), SCN4A (sodium voltage-gated channel alpha subunit 4; minus strand). Cytogenetic location: 17q23.3.
Variant type: single nucleotide variant.
Coding change: c.2623C>T on transcript NM_000334.4 (MANE Select); coding-DNA position 2623, C replaced by T.
Protein change: p.Pro875Ser; replaces proline 875 with serine.
Molecular consequence: missense variant.
Genome position (GRCh38, 1-based): chr17:63,951,654, G>A on the plus strand (C>T on the coding strand, the complement: SCN4A is on the minus strand). VCF-style: chr17-63951654-G-A. GRCh37 (hg19) VCF-style: chr17-62029014-G-A.
Other names: short protein forms P875S.
Identifiers: ClinVar variation 324531 (VCV000324531.63), dbSNP rs201148948, ClinGen allele CA8709542.